The following is an entry in ClinVar:

ClinVar aggregate classification (germline): Uncertain significance (1 of 4 stars; one submission).

Submission:

Labcorp Genetics (formerly Invitae), Labcorp
Classification: Uncertain significance. Last evaluated: 2023-07-15. Review status: criteria provided, single submitter. Criteria: Invitae Variant Classification Sherloc (09022015). Collection method: clinical testing. Allele origin: germline.
Comment: This sequence change replaces serine, which is neutral and polar, with cysteine, which is neutral and slightly polar, at codon 516 of the KIF2A protein (p.Ser516Cys). In summary, the available evidence is currently insufficient to determine the role of this variant in disease. Therefore, it has been classified as a Variant of Uncertain Significance. An algorithm developed to predict the effect of missense changes on protein structure and function (PolyPhen-2) suggests that this variant is likely to be tolerated. This variant has not been reported in the literature in individuals affected with KIF2A-related conditions. This variant is not present in population databases (gnomAD no frequency).

NM_001098511.3(KIF2A):c.1547C>G (p.Ser516Cys)

Gene: KIF2A (kinesin family member 2A; plus strand). Cytogenetic location: 5q12.1.
Variant type: single nucleotide variant.
Coding change: c.1547C>G on transcript NM_001098511.3 (MANE Select); coding-DNA position 1547, C replaced by G.
Protein change: p.Ser516Cys; replaces serine 516 with cysteine.
Molecular consequence: missense variant.
Genome position (GRCh38, 1-based): chr5:62,365,322, C>G. VCF-style: chr5-62365322-C-G. GRCh37 (hg19) VCF-style: chr5-61661149-C-G.
Other names: c.1466C>G, p.Ser489Cys (NM_001243952.2); c.1490C>G, p.Ser497Cys (NM_001243953.2); c.1547C>G, p.Ser516Cys (NM_004520.5); short protein forms S489C, S516C, S497C.
Identifiers: ClinVar variation 2743426 (VCV002743426.3), dbSNP rs2531362102, ClinGen allele CA359951861.